The following is an entry in ClinVar:

ClinVar aggregate classification (germline): Uncertain significance (1 of 4 stars; one submission).

Allele frequency attached by ClinVar (database versions not stated): gnomAD exomes below 0.00001.

Submission:

Labcorp Genetics (formerly Invitae), Labcorp
Classification: Uncertain significance. Last evaluated: 2024-04-26. Review status: criteria provided, single submitter. Criteria: Invitae Variant Classification Sherloc (09022015). Collection method: clinical testing. Allele origin: germline.
Comment: This sequence change replaces arginine, which is basic and polar, with histidine, which is basic and polar, at codon 117 of the BACH2 protein (p.Arg117His). This variant is not present in population databases (gnomAD no frequency). This variant has not been reported in the literature in individuals affected with BACH2-related conditions. ClinVar contains an entry for this variant (Variation ID: 1952992). Advanced modeling of protein sequence and biophysical properties (such as structural, functional, and spatial information, amino acid conservation, physicochemical variation, residue mobility, and thermodynamic stability) performed at Invitae indicates that this missense variant is not expected to disrupt BACH2 protein function with a negative predictive value of 80%. In summary, the available evidence is currently insufficient to determine the role of this variant in disease. Therefore, it has been classified as a Variant of Uncertain Significance.

NM_021813.4(BACH2):c.350G>A (p.Arg117His)

Gene: BACH2 (BACH transcriptional regulator 2; minus strand). Cytogenetic location: 6q15.
Variant type: single nucleotide variant.
Coding change: c.350G>A on transcript NM_021813.4 (MANE Select); coding-DNA position 350, G replaced by A.
Protein change: p.Arg117His; replaces arginine 117 with histidine.
Molecular consequence: missense variant.
Genome position (GRCh38, 1-based): chr6:89,951,756, C>T on the plus strand (G>A on the coding strand, the complement: BACH2 is on the minus strand). VCF-style: chr6-89951756-C-T. GRCh37 (hg19) VCF-style: chr6-90661475-C-T.
Other names: c.350G>A, p.Arg117His (NM_001170794.2); short protein forms R117H.
Identifiers: ClinVar variation 1952992 (VCV001952992.5), dbSNP rs1774139493, ClinGen allele CA365073221.